The following is an entry in ClinVar:

NM_020944.3(GBA2):c.1129+1G>C

Gene: GBA2 (glucosylceramidase beta 2; minus strand). Cytogenetic location: 9p13.3.
Variant type: single nucleotide variant.
Coding change: c.1129+1G>C on transcript NM_020944.3 (MANE Select); the canonical splice donor site of the intron after coding-DNA position 1129, G replaced by C.
Molecular consequence: splice donor variant.
Genome position (GRCh38, 1-based): chr9:35,740,525, C>G on the plus strand (G>C on the coding strand, the complement: GBA2 is on the minus strand). VCF-style: chr9-35740525-C-G. GRCh37 (hg19) VCF-style: chr9-35740522-C-G.
Other names: c.1129+1G>C (NM_001330660.2).
Identifiers: ClinVar variation 1066152 (VCV001066152.11), dbSNP rs2131972800, ClinGen allele CA373415359.

ClinVar aggregate classification (germline): Likely pathogenic (1 of 4 stars; one submission).

Conditions:
Spastic paraplegia. Identifiers: MedGen C0037772, HP:0001258.

Submission:

Labcorp Genetics (formerly Invitae), Labcorp
Classification: Likely pathogenic for Spastic paraplegia. Last evaluated: 2022-09-19. Review status: criteria provided, single submitter. Criteria: Invitae Variant Classification Sherloc (09022015). Collection method: clinical testing. Allele origin: germline.
Comment: This variant is not present in population databases (gnomAD no frequency). This sequence change affects a donor splice site in intron 6 of the GBA2 gene. It is expected to disrupt RNA splicing. Variants that disrupt the donor or acceptor splice site typically lead to a loss of protein function (PMID: 16199547), and loss-of-function variants in GBA2 are known to be pathogenic (PMID: 23332916, 23332917). Disruption of this splice site has been observed in individual(s) with clinical features of hereditary spastic paraplegia (Invitae). ClinVar contains an entry for this variant (Variation ID: 1066152). In summary, the currently available evidence indicates that the variant is pathogenic, but additional data are needed to prove that conclusively. Therefore, this variant has been classified as Likely Pathogenic. Algorithms developed to predict the effect of sequence changes on RNA splicing suggest that this variant may disrupt the consensus splice site.

Literature cited by the submitters: PubMed 16199547; PubMed 23332916; PubMed 23332917.